The following is an entry in ClinVar:

ClinVar aggregate classification (germline): Uncertain significance (1 of 4 stars; one submission).

Conditions:
Inborn genetic diseases. Identifiers: MedGen C0950123, MeSH D030342.

Submission:

Ambry Genetics
Classification: Uncertain significance for Inborn genetic diseases. Last evaluated: 2023-01-27. Review status: criteria provided, single submitter. Criteria: Ambry Variant Classification Scheme 2023. Collection method: clinical testing. Allele origin: germline.
Comment: The p.D753N variant (also known as c.2257G>A), located in coding exon 14 of the EPAS1 gene, results from a G to A substitution at nucleotide position 2257. The aspartic acid at codon 753 is replaced by asparagine, an amino acid with highly similar properties. This amino acid position is conserved. In addition, this alteration is predicted to be tolerated by in silico analysis. Since supporting evidence is limited at this time, the clinical significance of this alteration remains unclear.

NM_001430.5(EPAS1):c.2257G>A (p.Asp753Asn)

Gene: EPAS1 (endothelial PAS domain protein 1; plus strand). Cytogenetic location: 2p21.
Variant type: single nucleotide variant.
Coding change: c.2257G>A on transcript NM_001430.5 (MANE Select); coding-DNA position 2257, G replaced by A.
Protein change: p.Asp753Asn; replaces aspartic acid 753 with asparagine.
Molecular consequence: missense variant.
Genome position (GRCh38, 1-based): chr2:46,382,059, G>A. VCF-style: chr2-46382059-G-A. GRCh37 (hg19) VCF-style: chr2-46609198-G-A.
Other names: short protein forms D753N.
Identifiers: ClinVar variation 2497557 (VCV002497557.2), dbSNP rs781751711, ClinGen allele CA1645276.